The following is an entry in ClinVar:

ClinVar aggregate classification (germline): Uncertain significance. Review status: criteria provided, multiple submitters, no conflicts (2 of 4 stars). 4 submissions from 4 submitters: Uncertain significance (4). Last evaluated 2025-10-18.

Conditions:
POLD1-related polyposis and colorectal cancer syndrome (CRCS10). Also called: Colorectal cancer 10; COLORECTAL CANCER, SUSCEPTIBILITY TO, ON CHROMOSOME 19q; Colorectal cancer, susceptibility to, 10. Identifiers: Orphanet 220460, MedGen C2675481, MONDO:0012953, OMIM 612591.
Hereditary cancer-predisposing syndrome. Also called: Neoplastic Syndromes, Hereditary; Hereditary neoplastic syndrome; Tumor predisposition; Hereditary Cancer Syndrome. Identifiers: Orphanet 140162, MedGen C0027672, MeSH D009386, MONDO:0015356.
Mandibular hypoplasia-deafness-progeroid syndrome. Also called: Mandibular hypoplasia, deafness, progeroid features, and lipodystrophy syndrome. Identifiers: Orphanet 363649, MedGen C3715192, MONDO:0014157, OMIM 615381.

Allele frequency attached by ClinVar (database versions not stated): gnomAD exomes below 0.00001; ExAC 0.00001; TOPMed 0.00002; gnomAD 0.00003.
gnomAD v4.1: 10 of 1,613,224 alleles (0.00062%); highest among the groups gnomAD compares: African/African-American, 0.004%; no homozygotes.

Submissions (4):

Labcorp Genetics (formerly Invitae), Labcorp
Classification: Uncertain significance for POLD1-related polyposis and colorectal cancer syndrome. Last evaluated: 2025-10-18. Review status: criteria provided, single submitter. Criteria: Invitae Variant Classification Sherloc (09022015). Collection method: clinical testing. Allele origin: germline.
Comment: This sequence change replaces arginine, which is basic and polar, with cysteine, which is neutral and slightly polar, at codon 875 of the POLD1 protein (p.Arg875Cys). This variant is present in population databases (rs751565067, gnomAD 0.0009%). This variant has not been reported in the literature in individuals affected with POLD1-related conditions. ClinVar contains an entry for this variant (Variation ID: 439256). Invitae Evidence Modeling of protein sequence and biophysical properties (such as structural, functional, and spatial information, amino acid conservation, physicochemical variation, residue mobility, and thermodynamic stability) indicates that this missense variant is expected to disrupt POLD1 protein function with a positive predictive value of 80%. In summary, the available evidence is currently insufficient to determine the role of this variant in disease. Therefore, it has been classified as a Variant of Uncertain Significance.

Ambry Genetics
Classification: Uncertain significance for Hereditary cancer-predisposing syndrome. Last evaluated: 2025-05-04. Review status: criteria provided, single submitter. Criteria: Ambry Variant Classification Scheme 2023. Collection method: clinical testing. Allele origin: germline.

Centre for Mendelian Genomics, University Medical Centre Ljubljana
Classification: Uncertain significance for Mandibular hypoplasia-deafness-progeroid syndrome. Last evaluated: 2018-11-07. Review status: criteria provided, single submitter. Criteria: ACMG Guidelines, 2015. Collection method: clinical testing. Allele origin: unknown. Affected: yes.
Comment: This variant was classified as: Uncertain significance. The available evidence on this variant's pathogenicity is insufficient or conflicting. The following ACMG criteria were applied in classifying this variant: PP3.

Quest Diagnostics Nichols Institute San Juan Capistrano
Classification: Uncertain significance. Last evaluated: 2017-01-21. Review status: criteria provided, single submitter. Criteria: Quest Diagnostics criteria. Collection method: clinical testing. Allele origin: germline.

NM_002691.4(POLD1):c.2623C>T (p.Arg875Cys)

Gene: POLD1 (DNA polymerase delta 1, catalytic subunit; plus strand). Cytogenetic location: 19q13.33.
Variant type: single nucleotide variant.
Coding change: c.2623C>T on transcript NM_002691.4 (MANE Select); coding-DNA position 2623, C replaced by T.
Protein change: p.Arg875Cys; replaces arginine 875 with cysteine.
Molecular consequence: missense variant. On other transcripts: non-coding transcript variant (1).
Genome position (GRCh38, 1-based): chr19:50,415,496, C>T. VCF-style: chr19-50415496-C-T. GRCh37 (hg19) VCF-style: chr19-50918753-C-T.
Other names: c.2623C>T, p.Arg875Cys (NM_001256849.1); c.2701C>T, p.Arg901Cys (NM_001308632.1); c.2623C>T (NM_002691.2); short protein forms R875C, R901C.
Identifiers: ClinVar variation 439256 (VCV000439256.15), dbSNP rs751565067, ClinGen allele CA9596599.